The following is an entry in ClinVar:

ClinVar aggregate classification (germline): Uncertain significance. Review status: criteria provided, multiple submitters, no conflicts (2 of 4 stars). 2 submissions from 2 submitters: Uncertain significance (2). Last evaluated 2021-11-22.

Conditions:
Hereditary cancer-predisposing syndrome. Also called: Tumor predisposition; Hereditary neoplastic syndrome; Neoplastic Syndromes, Hereditary; Hereditary Cancer Syndrome. Identifiers: Orphanet 140162, MedGen C0027672, MeSH D009386, MONDO:0015356.

gnomAD v4.1: 1 of 1,614,198 alleles (0.000062%); highest among the groups gnomAD compares: Non-Finnish European, 0.000085%; no homozygotes.

Submissions (2):

Ambry Genetics
Classification: Uncertain significance for Hereditary cancer-predisposing syndrome. Last evaluated: 2021-11-22. Review status: criteria provided, single submitter. Criteria: Ambry Variant Classification Scheme 2023. Collection method: clinical testing. Allele origin: germline.
Comment: The p.L1032V variant (also known as c.3094C>G), located in coding exon 26 of the POLE gene, results from a C to G substitution at nucleotide position 3094. The leucine at codon 1032 is replaced by valine, an amino acid with highly similar properties. This amino acid position is conserved. In addition, the in silico prediction for this alteration is inconclusive. Since supporting evidence is limited at this time, the clinical significance of this alteration remains unclear.

Labcorp Genetics (formerly Invitae), Labcorp
Classification: Uncertain significance. Last evaluated: 2021-09-19. Review status: criteria provided, single submitter. Criteria: Invitae Variant Classification Sherloc (09022015). Collection method: clinical testing. Allele origin: germline.
Comment: In summary, the available evidence is currently insufficient to determine the role of this variant in disease. Therefore, it has been classified as a Variant of Uncertain Significance. Algorithms developed to predict the effect of sequence changes on RNA splicing suggest that this variant may create or strengthen a splice site. This sequence change replaces leucine with valine at codon 1032 of the POLE protein (p.Leu1032Val). The leucine residue is highly conserved and there is a small physicochemical difference between leucine and valine. This variant is not present in population databases (ExAC no frequency). This variant has not been reported in the literature in individuals affected with POLE-related conditions. Algorithms developed to predict the effect of missense changes on protein structure and function (SIFT, PolyPhen-2, Align-GVGD) all suggest that this variant is likely to be disruptive.

NM_006231.4(POLE):c.3094C>G (p.Leu1032Val)

Gene: POLE (DNA polymerase epsilon, catalytic subunit; minus strand). Cytogenetic location: 12q24.33.
Variant type: single nucleotide variant.
Coding change: c.3094C>G on transcript NM_006231.4 (MANE Select); coding-DNA position 3094, C replaced by G.
Protein change: p.Leu1032Val; replaces leucine 1032 with valine.
Molecular consequence: missense variant.
Genome position (GRCh38, 1-based): chr12:132,659,476, G>C on the plus strand (C>G on the coding strand, the complement: POLE is on the minus strand). VCF-style: chr12-132659476-G-C. GRCh37 (hg19) VCF-style: chr12-133236062-G-C.
Other names: short protein forms L1032V.
Identifiers: ClinVar variation 1357297 (VCV001357297.8), dbSNP rs1555225694, ClinGen allele CA387391736.